The following is an entry in ClinVar:

ClinVar aggregate classification (germline): Uncertain significance. Review status: criteria provided, multiple submitters, no conflicts (2 of 4 stars). 4 submissions from 4 submitters: Uncertain significance (4). Last evaluated 2023-12-05.

Conditions:
Hereditary nonpolyposis colorectal neoplasms. Identifiers: MedGen C0009405, MeSH D003123.
Hereditary cancer-predisposing syndrome. Also called: Tumor predisposition; Hereditary Cancer Syndrome; Hereditary neoplastic syndrome; Neoplastic Syndromes, Hereditary. Identifiers: Orphanet 140162, MedGen C0027672, MeSH D009386, MONDO:0015356.

Allele frequency attached by ClinVar (database versions not stated): gnomAD exomes below 0.00001.
gnomAD v4.1: 1 of 1,611,766 alleles (0.000062%); highest among the groups gnomAD compares: South Asian, 0.0011%; no homozygotes.

Submissions (4):

Color Diagnostics, LLC DBA Color Health
Classification: Uncertain significance for Hereditary cancer-predisposing syndrome. Last evaluated: 2023-12-05. Review status: criteria provided, single submitter. Criteria: ACMG Guidelines, 2015. Collection method: clinical testing. Allele origin: germline.
Comment: This missense variant replaces threonine with asparagine at codon 147 of the PMS2 protein. Computational prediction suggests that this variant may not impact protein structure and function (internally defined REVEL score threshold <= 0.5, PMID: 27666373). To our knowledge, functional studies have not been reported for this variant. This variant has not been reported in individuals affected with PMS2-related disorders in the literature. This variant has not been identified in the general population by the Genome Aggregation Database (gnomAD). The available evidence is insufficient to determine the role of this variant in disease conclusively. Therefore, this variant is classified as a Variant of Uncertain Significance.

GeneDx
Classification: Uncertain significance. Last evaluated: 2023-07-25. Review status: criteria provided, single submitter. Criteria: GeneDx Variant Classification Process June 2021. Collection method: clinical testing. Allele origin: germline. Affected: yes.
Comment: Not observed at significant frequency in large population cohorts (gnomAD); In silico analysis supports that this missense variant does not alter protein structure/function; Has not been previously published as pathogenic or benign to our knowledge; This variant is associated with the following publications: (PMID: 11574484)

Ambry Genetics
Classification: Uncertain significance for Hereditary cancer-predisposing syndrome. Last evaluated: 2022-03-23. Review status: criteria provided, single submitter. Criteria: Ambry Variant Classification Scheme 2023. Collection method: clinical testing. Allele origin: germline.
Comment: The p.T147N variant (also known as c.440C>A), located in coding exon 5 of the PMS2 gene, results from a C to A substitution at nucleotide position 440. The threonine at codon 147 is replaced by asparagine, an amino acid with similar properties. This amino acid position is poorly conserved in available vertebrate species. In addition, this alteration is predicted to be tolerated by in silico analysis. Since supporting evidence is limited at this time, the clinical significance of this alteration remains unclear.

Labcorp Genetics (formerly Invitae), Labcorp
Classification: Uncertain significance for Hereditary nonpolyposis colorectal neoplasms. Last evaluated: 2021-05-10. Review status: criteria provided, single submitter. Criteria: Invitae Variant Classification Sherloc (09022015). Collection method: clinical testing. Allele origin: germline.
Comment: This sequence change replaces threonine with asparagine at codon 147 of the PMS2 protein (p.Thr147Asn). The threonine residue is weakly conserved and there is a small physicochemical difference between threonine and asparagine. In summary, the available evidence is currently insufficient to determine the role of this variant in disease. Therefore, it has been classified as a Variant of Uncertain Significance. Advanced modeling of protein sequence and biophysical properties (such as structural, functional, and spatial information, amino acid conservation, physicochemical variation, residue mobility, and thermodynamic stability) performed at Invitae indicates that this missense variant is not expected to disrupt PMS2 protein function. This variant has not been reported in the literature in individuals with PMS2-related conditions. ClinVar contains an entry for this variant (Variation ID: 486933). This variant is not present in population databases (ExAC no frequency).

NM_000535.7(PMS2):c.440C>A (p.Thr147Asn)

Gene: PMS2 (PMS1 homolog 2, mismatch repair system component; minus strand). Cytogenetic location: 7p22.1.
Variant type: single nucleotide variant.
Coding change: c.440C>A on transcript NM_000535.7 (MANE Select); coding-DNA position 440, C replaced by A.
Protein change: p.Thr147Asn; replaces threonine 147 with asparagine.
Molecular consequence: missense variant. On other transcripts: 5 prime UTR variant (2), non-coding transcript variant (1).
Genome position (GRCh38, 1-based): chr7:6,002,550, G>T on the plus strand (C>A on the coding strand, the complement: PMS2 is on the minus strand). VCF-style: chr7-6002550-G-T. GRCh37 (hg19) VCF-style: chr7-6042181-G-T.
Other names: c.35C>A, p.Thr12Asn (NM_001322003.2, NM_001322004.2, NM_001322005.2 and 3 more transcripts); c.440C>A, p.Thr147Asn (NM_001322006.2, NM_001322014.2); c.122C>A, p.Thr41Asn (NM_001322007.2, NM_001322008.2); c.-445C>A (NM_001322011.2, NM_001322012.2); c.131C>A, p.Thr44Asn (NM_001322015.2); short protein forms T147N, T12N, T41N, T44N.
Identifiers: ClinVar variation 486933 (VCV000486933.15), dbSNP rs1554304012, ClinGen allele CA366744341.